The following is an entry in ClinVar:

ClinVar aggregate classification (germline): Uncertain significance. Review status: criteria provided, multiple submitters, no conflicts (2 of 4 stars). 4 submissions from 4 submitters: Uncertain significance (4). Last evaluated 2025-01-21.

Conditions:
Autosomal recessive distal spinal muscular atrophy 2. Also called: Hereditary motor neuropathy, Jerash type; Motor neuropathy, distal, Jerash type; NEURONOPATHY, DISTAL HEREDITARY MOTOR, JERASH TYPE; NEUROPATHY, DISTAL HEREDITARY MOTOR, JERASH TYPE; SPINAL MUSCULAR ATROPHY, JERASH TYPE; NEUROPATHY, DISTAL HEREDITARY MOTOR, AUTOSOMAL RECESSIVE 2. Identifiers: Orphanet 139552, MedGen C1854023, MONDO:0011585, OMIM 605726.
Amyotrophic lateral sclerosis type 16. Also called: AMYOTROPHIC LATERAL SCLEROSIS 16, JUVENILE. Identifiers: Orphanet 300605, MedGen C3280587, MONDO:0013715, OMIM 614373.
Inborn genetic diseases. Identifiers: MedGen C0950123, MeSH D030342.

Allele frequency attached by ClinVar (database versions not stated): TOPMed 0.00001; gnomAD 0.00002; gnomAD exomes 0.00002 and 0.00004.

Submissions (4):

Ambry Genetics
Classification: Uncertain significance for Inborn genetic diseases. Last evaluated: 2025-01-21. Review status: criteria provided, single submitter. Criteria: Ambry Variant Classification Scheme 2023. Collection method: clinical testing. Allele origin: germline.

CeGaT Center for Human Genetics Tuebingen
Classification: Uncertain significance. Last evaluated: 2023-09-01. Review status: criteria provided, single submitter. Criteria: CeGaT Center For Human Genetics Tuebingen Variant Classification Criteria Version 2. Collection method: clinical testing. Allele origin: germline. Affected: yes. Observed: 1 variant allele.
Comment: SIGMAR1: PM2

GeneDx
Classification: Uncertain significance. Last evaluated: 2022-10-27. Review status: criteria provided, single submitter. Criteria: GeneDx Variant Classification Process June 2021. Collection method: clinical testing. Allele origin: germline. Affected: yes.
Comment: Not observed at significant frequency in large population cohorts (gnomAD); In silico analysis supports that this missense variant does not alter protein structure/function; Has not been previously published as pathogenic or benign to our knowledge

Labcorp Genetics (formerly Invitae), Labcorp
Classification: Uncertain significance for Autosomal recessive distal spinal muscular atrophy 2; Amyotrophic lateral sclerosis type 16. Last evaluated: 2022-08-21. Review status: criteria provided, single submitter. Criteria: Invitae Variant Classification Sherloc (09022015). Collection method: clinical testing. Allele origin: germline.
Comment: This sequence change replaces glycine, which is neutral and non-polar, with aspartic acid, which is acidic and polar, at codon 31 of the SIGMAR1 protein (p.Gly31Asp). This variant is present in population databases (rs532632647, gnomAD 0.01%). This variant has not been reported in the literature in individuals affected with SIGMAR1-related conditions. ClinVar contains an entry for this variant (Variation ID: 534261). Algorithms developed to predict the effect of missense changes on protein structure and function output the following: SIFT: "Tolerated"; PolyPhen-2: "Benign"; Align-GVGD: "Class C15". The aspartic acid amino acid residue is found in multiple mammalian species, which suggests that this missense change does not adversely affect protein function. Algorithms developed to predict the effect of sequence changes on RNA splicing suggest that this variant may disrupt the consensus splice site. In summary, the available evidence is currently insufficient to determine the role of this variant in disease. Therefore, it has been classified as a Variant of Uncertain Significance.

NM_005866.4(SIGMAR1):c.92G>A (p.Gly31Asp)

Genes: SIGMAR1 (sigma receptor chaperone 1; minus strand), LOC130001681 (ATAC-STARR-seq lymphoblastoid silent region 19853; plus strand). Cytogenetic location: 9p13.3.
Variant type: single nucleotide variant.
Coding change: c.92G>A on transcript NM_005866.4 (MANE Select); coding-DNA position 92, G replaced by A.
Protein change: p.Gly31Asp; replaces glycine 31 with aspartic acid.
Molecular consequence: missense variant. On other transcripts: 5 prime UTR variant (1), non-coding transcript variant (1), splice donor variant (1).
Genome position (GRCh38, 1-based): chr9:34,637,606, C>T on the plus strand (G>A on the coding strand, the complement: SIGMAR1 is on the minus strand). VCF-style: chr9-34637606-C-T. GRCh37 (hg19) VCF-style: chr9-34637603-C-T.
Other names: c.92G>A, p.Gly31Asp (NM_001282205.2, NM_001282208.2, NM_001282209.2 and 1 more transcripts); c.-162G>A (NM_001282206.2); c.91+1G>A (NM_001282207.2); short protein forms G31D.
Identifiers: ClinVar variation 534261 (VCV000534261.37), dbSNP rs532632647, ClinGen allele CA5035958.